The following is an entry in ClinVar:

NM_001048174.2(MUTYH):c.551T>C (p.Leu184Pro)

Gene: MUTYH (mutY DNA glycosylase; minus strand). Cytogenetic location: 1p34.1.
Variant type: single nucleotide variant.
Coding change: c.551T>C on transcript NM_001048174.2 (MANE Select); coding-DNA position 551, T replaced by C.
Protein change: p.Leu184Pro; replaces leucine 184 with proline.
Molecular consequence: missense variant. On other transcripts: non-coding transcript variant (2).
Genome position (GRCh38, 1-based): chr1:45,332,629, A>G on the plus strand (T>C on the coding strand, the complement: MUTYH is on the minus strand). VCF-style: chr1-45332629-A-G. GRCh37 (hg19) VCF-style: chr1-45798301-A-G.
Other names: c.551T>C, p.Leu184Pro (NM_001048171.2, NM_001048173.2, NM_001293195.2); c.554T>C, p.Leu185Pro (NM_001048172.2); c.635T>C, p.Leu212Pro (NM_001128425.2); c.596T>C, p.Leu199Pro (NM_001293190.2); c.584T>C, p.Leu195Pro (NM_001293191.2); c.275T>C, p.Leu92Pro (NM_001293192.2, NM_001293196.2); c.206T>C, p.Leu69Pro (NM_001350650.2, NM_001350651.2); c.626T>C, p.Leu209Pro (NM_012222.3); short protein forms L185P, L209P, L212P, L92P, L69P, L184P, L195P, L199P.
Identifiers: ClinVar variation 662425 (VCV000662425.8), dbSNP rs1570416435, ClinGen allele CA340135356.

ClinVar aggregate classification (germline): Uncertain significance (1 of 4 stars; one submission).

Conditions:
Familial adenomatous polyposis 2. Also called: COLORECTAL ADENOMATOUS POLYPOSIS, AUTOSOMAL RECESSIVE; ADENOMAS, MULTIPLE COLORECTAL, AUTOSOMAL RECESSIVE; MYH-associated polyposis; MUTYH Polyposis; Adenomas, multiple colorectal; MUTYH-associated polyposis. Identifiers: Orphanet 220460, Orphanet 247798, MedGen C3272841, MONDO:0012041, OMIM 608456.

Submission:

Labcorp Genetics (formerly Invitae), Labcorp
Classification: Uncertain significance for Familial adenomatous polyposis 2. Last evaluated: 2018-07-04. Review status: criteria provided, single submitter. Criteria: Invitae Variant Classification Sherloc (09022015). Collection method: clinical testing. Allele origin: germline.
Comment: This variant has not been reported in the literature in individuals with MUTYH-related disease. This variant is not present in population databases (ExAC no frequency). This sequence change replaces leucine with proline at codon 212 of the MUTYH protein (p.Leu212Pro). The leucine residue is highly conserved and there is a moderate physicochemical difference between leucine and proline. Algorithms developed to predict the effect of missense changes on protein structure and function (SIFT, PolyPhen-2, Align-GVGD) all suggest that this variant is likely to be disruptive, but these predictions have not been confirmed by published functional studies and their clinical significance is uncertain. In summary, the available evidence is currently insufficient to determine the role of this variant in disease. Therefore, it has been classified as a Variant of Uncertain Significance.